The following is an entry in ClinVar:

NM_000428.3(LTBP2):c.2837C>T (p.Thr946Ile)

Gene: LTBP2 (latent transforming growth factor beta binding protein 2; minus strand). Cytogenetic location: 14q24.3.
Variant type: single nucleotide variant.
Coding change: c.2837C>T on transcript NM_000428.3 (MANE Select); coding-DNA position 2837, C replaced by T.
Protein change: p.Thr946Ile; replaces threonine 946 with isoleucine.
Molecular consequence: missense variant.
Genome position (GRCh38, 1-based): chr14:74,516,893, G>A on the plus strand (C>T on the coding strand, the complement: LTBP2 is on the minus strand). VCF-style: chr14-74516893-G-A. GRCh37 (hg19) VCF-style: chr14-74983596-G-A.
Other names: short protein forms T946I.
Identifiers: ClinVar variation 314292 (VCV000314292.7), dbSNP rs771319126, ClinGen allele CA7269375.

ClinVar aggregate classification (germline): Uncertain significance. Review status: criteria provided, multiple submitters, no conflicts (2 of 4 stars). 4 submissions from 3 submitters: Uncertain significance (4). Last evaluated 2024-04-17.

Conditions:
Inborn genetic diseases. Identifiers: MedGen C0950123, MeSH D030342.
Weill-Marchesani syndrome. Also called: WM Syndrome; Mesodermal dysmorphodystrophy congenital. Identifiers: Orphanet 3449, MedGen C0265313, MONDO:0018096.
Glaucoma 3, primary congenital, D. Identifiers: Orphanet 98976, MedGen C2751316, MONDO:0013122, OMIM 613086.

Allele frequency attached by ClinVar (database versions not stated): TOPMed 0.00003; gnomAD exomes 0.00009 and 0.00020; gnomAD 0.00005 and 0.00006; ExAC 0.00038.
gnomAD v4.1: 137 of 1,551,950 alleles (0.0088%); highest among the groups gnomAD compares: South Asian, 0.1%; no homozygotes.

Submissions (4):

Ambry Genetics
Classification: Uncertain significance for Inborn genetic diseases. Last evaluated: 2024-04-17. Review status: criteria provided, single submitter. Criteria: Ambry Variant Classification Scheme 2023. Collection method: clinical testing. Allele origin: germline.

Labcorp Genetics (formerly Invitae), Labcorp
Classification: Uncertain significance. Last evaluated: 2022-06-29. Review status: criteria provided, single submitter. Criteria: Invitae Variant Classification Sherloc (09022015). Collection method: clinical testing. Allele origin: germline.
Comment: This sequence change replaces threonine, which is neutral and polar, with isoleucine, which is neutral and non-polar, at codon 946 of the LTBP2 protein (p.Thr946Ile). This variant is present in population databases (rs771319126, gnomAD 0.1%). This variant has not been reported in the literature in individuals affected with LTBP2-related conditions. ClinVar contains an entry for this variant (Variation ID: 314292). Algorithms developed to predict the effect of missense changes on protein structure and function output the following: SIFT: "Deleterious"; PolyPhen-2: "Benign"; Align-GVGD: "Class C15". The isoleucine amino acid residue is found in multiple mammalian species, which suggests that this missense change does not adversely affect protein function. In summary, the available evidence is currently insufficient to determine the role of this variant in disease. Therefore, it has been classified as a Variant of Uncertain Significance.

Illumina Laboratory Services, Illumina
Classification: Uncertain significance for Glaucoma 3, primary congenital, D. Last evaluated: 2018-01-12. Review status: criteria provided, single submitter. Criteria: ICSL Variant Classification Criteria 13 December 2019. Collection method: clinical testing. Allele origin: germline.

Illumina Laboratory Services, Illumina
Classification: Uncertain significance for Weill-Marchesani syndrome. Last evaluated: 2018-01-12. Review status: criteria provided, single submitter. Criteria: ICSL Variant Classification Criteria 13 December 2019. Collection method: clinical testing. Allele origin: germline.